The following is an entry in ClinVar:

NM_144992.5(VWA3B):c.592dup (p.Glu198fs)

Gene: VWA3B (von Willebrand factor A domain containing 3B; plus strand). Cytogenetic location: 2q11.2.
Variant type: Duplication.
Coding change: c.592dup on transcript NM_144992.5 (MANE Select); coding-DNA position 592, one base duplicated (G; older notation c.592dupG).
Protein change: p.Glu198fs; shifts the reading frame from glutamic acid 198.
Molecular consequence: frameshift variant. On other transcripts: non-coding transcript variant (3).
Genome position (GRCh38, 1-based): chr2:98,121,348, G duplicated. VCF-style (leftmost placement, unchanged base first): chr2-98121347-C-CG. GRCh37 (hg19) VCF-style: chr2-98737810-C-CG.
Other names: c.592dupG (NM_144992.5); short protein forms E198fs.
Identifiers: ClinVar variation 4849393 (VCV004849393.1).
Genomic context (GRCh38, chr2:98,121,347, plus strand): 5'-GATCCTTTTCAGGGTTTCTCAAGAGCCTGTGAAGTGGCAGGAAAATGCTACTCCTGTGAC[C>CG]GAACAGTCCATAGCTACTGCCATCAGTTGGGTTGAGAAACTGACGGTTGAGCTGACTGTG-3'

ClinVar aggregate classification (germline): Likely pathogenic (1 of 4 stars; one submission).

Conditions:
Spinocerebellar ataxia, autosomal recessive 22 (SCAR22). Identifiers: MedGen C4310781, MONDO:0014845, OMIM 616948.

Submission:

First Genomix Gene Laboratory, Genetic Diagnostics Department
Classification: Likely pathogenic for Spinocerebellar ataxia, autosomal recessive 22. Last evaluated: 2025-06-20. Review status: criteria provided, single submitter. Criteria: ACMG Guidelines, 2015. Collection method: clinical testing. Allele origin: germline. Inheritance: Autosomal recessive inheritance. Affected: no. Observed: 1 variant allele.